The following is an entry in ClinVar:

NM_022726.4(ELOVL4):c.736T>G (p.Trp246Gly)

Gene: ELOVL4 (ELOVL fatty acid elongase 4; minus strand). Cytogenetic location: 6q14.1.
Variant type: single nucleotide variant.
Coding change: c.736T>G on transcript NM_022726.4 (MANE Select); coding-DNA position 736, T replaced by G.
Protein change: p.Trp246Gly; replaces tryptophan 246 with glycine.
Molecular consequence: missense variant.
Genome position (GRCh38, 1-based): chr6:79,916,817, A>C on the plus strand (T>G on the coding strand, the complement: ELOVL4 is on the minus strand). VCF-style: chr6-79916817-A-C. GRCh37 (hg19) VCF-style: chr6-80626534-A-C.
Other names: short protein forms W246G.
Identifiers: ClinVar variation 430572 (VCV000430572.5), dbSNP rs1131692036, ClinGen allele CA364655962.

ClinVar aggregate classification (germline): Pathogenic. Review status: criteria provided, single submitter (1 of 4 stars). 2 submissions from 2 submitters: Pathogenic (1). 1 of the submissions does not count toward it. Last evaluated 2023-12-04.

Conditions:
Spinocerebellar ataxia type 34 (SCA34). Identifiers: Orphanet 1955, MedGen C1851481, MONDO:0007574, OMIM 133190.

Submissions (2):

GeneDx
Classification: Pathogenic. Last evaluated: 2023-12-04. Review status: criteria provided, single submitter. Criteria: GeneDx Variant Classification Process June 2021. Collection method: clinical testing. Allele origin: germline. Affected: yes.
Comment: Published functional studies demonstrate a damaging effect: impaired production of very long chain saturated fatty acids (VLC-SFA), reduced long-term potentiation at parallel fiber synapses as well as long-term depression at climbing fiber synapses onto Purkinje cells, and impaired motor function in rat models (Agbaga et al., 2020; Nagaraja et al., 2021); Although W246G did not affect retinal Elovl4 expression and protein synthesis in rat models, it was proposed that the reduced production of VLC-SFA impaired synaptic transmission from photoreceptors to the inner retina (Agbaga et al., 2020); In silico analysis supports that this missense variant has a deleterious effect on protein structure/function; Not observed at significant frequency in large population cohorts (gnomAD); This variant is associated with the following publications: (PMID: 26010696, 34689836, 32780351, 34227061)

OMIM
Classification: Pathogenic for SPINOCEREBELLAR ATAXIA 34. Last evaluated: 2017-06-30. Review status: no assertion criteria provided. Collection method: literature only. Allele origin: germline. Not counted in ClinVar's aggregate classification.

Literature cited by the submitters: PubMed 26010696 (cited by OMIM).